The following is an entry in ClinVar:

ClinVar aggregate classification (germline): Pathogenic (1 of 4 stars; one submission).

Conditions:
STAG2-related disorder. Also called: STAG2-Related Disorders.

Submission:

Women's Health and Genetics/Laboratory Corporation of America, LabCorp
Classification: Pathogenic for STAG2-Related Disorders. Last evaluated: 2024-06-12. Review status: criteria provided, single submitter. Criteria: LabCorp Variant Classification Summary - May 2015. Collection method: clinical testing. Allele origin: germline.
Comment: Variant summary: STAG2 c.1018-1G>A is located in a canonical splice-site and is predicted to affect mRNA splicing resulting in a significantly altered protein due to either exon skipping, shortening, or inclusion of intronic material. Several computational tools predict a significant impact on normal splicing: Four predict the variant abolishes the canonical 3' acceptor site. Two predict the variant creates a cryptic 3' acceptor site. Two predict the variant strengthens the cryptic 3' acceptor site. However, these predictions have yet to be confirmed by functional studies. The variant was absent in 108962 control chromosomes. To our knowledge, no occurrence of c.1018-1G>A in individuals affected with STAG2-Related Disorders and no experimental evidence demonstrating its impact on protein function have been reported. No submitters have cited clinical-significance assessments for this variant to ClinVar. Based on the evidence outlined above, the variant was classified as Pathogenic.

Literature cited by the submitters: PubMed 26438359; PubMed 24220272; PubMed 24487413; PubMed 24335498; PubMed 25006131; PubMed 27276561.

NM_001042750.2(STAG2):c.1018-1G>A

Gene: STAG2 (STAG2 cohesin complex component; plus strand). Cytogenetic location: Xq25.
Variant type: single nucleotide variant.
Coding change: c.1018-1G>A on transcript NM_001042750.2 (MANE Select); the canonical splice acceptor site of the intron before coding-DNA position 1018, G replaced by A.
Molecular consequence: splice acceptor variant.
Genome position (GRCh38, 1-based): chrX:124,051,120, G>A. VCF-style: chrX-124051120-G-A. GRCh37 (hg19) VCF-style: chrX-123184970-G-A.
Other names: c.1018-1G>A (NM_001042749.2, NM_001375366.1, NM_001375373.1 and 13 more transcripts).
Identifiers: ClinVar variation 3339587 (VCV003339587.1).